The following is an entry in ClinVar:

ClinVar aggregate classification (germline): Uncertain significance (1 of 4 stars; one submission).

Conditions:
Marfan syndrome (MFS). Also called: Marfan's syndrome; Marfan syndrome, classic; MARFAN SYNDROME, TYPE I; Marfan syndrome type 1; FBN1-Related Marfan Syndrome. Identifiers: Orphanet 284963, Orphanet 558, MedGen C0024796, MONDO:0007947, OMIM 154700.
Familial thoracic aortic aneurysm and aortic dissection (TAAD). Also called: Thoracic aortic aneurysms and dissections. Identifiers: Orphanet 91387, MedGen C4707243, MONDO:0019625.

Submission:

Labcorp Genetics (formerly Invitae), Labcorp
Classification: Uncertain significance for Marfan syndrome; Familial thoracic aortic aneurysm and aortic dissection. Last evaluated: 2023-05-01. Review status: criteria provided, single submitter. Criteria: Invitae Variant Classification Sherloc (09022015). Collection method: clinical testing. Allele origin: germline.
Comment: This sequence change replaces asparagine, which is neutral and polar, with histidine, which is basic and polar, at codon 2791 of the FBN1 protein (p.Asn2791His). This variant is not present in population databases (gnomAD no frequency). This variant has not been reported in the literature in individuals affected with FBN1-related conditions. ClinVar contains an entry for this variant (Variation ID: 1721742). Advanced modeling of protein sequence and biophysical properties (such as structural, functional, and spatial information, amino acid conservation, physicochemical variation, residue mobility, and thermodynamic stability) performed at Invitae indicates that this missense variant is not expected to disrupt FBN1 protein function. In summary, the available evidence is currently insufficient to determine the role of this variant in disease. Therefore, it has been classified as a Variant of Uncertain Significance.

NM_000138.5(FBN1):c.8371A>C (p.Asn2791His)

Gene: FBN1 (fibrillin 1; minus strand). Cytogenetic location: 15q21.1.
Variant type: single nucleotide variant.
Coding change: c.8371A>C on transcript NM_000138.5 (MANE Select); coding-DNA position 8371, A replaced by C.
Protein change: p.Asn2791His; replaces asparagine 2791 with histidine.
Molecular consequence: missense variant.
Genome position (GRCh38, 1-based): chr15:48,411,235, T>G on the plus strand (A>C on the coding strand, the complement: FBN1 is on the minus strand). VCF-style: chr15-48411235-T-G. GRCh37 (hg19) VCF-style: chr15-48703432-T-G.
Other names: c.8371A>C, p.Asn2791His (NM_001406716.1); short protein forms N2791H.
Identifiers: ClinVar variation 1721742 (VCV001721742.5), dbSNP rs2505371284, ClinGen allele CA392319343.
Genomic context (GRCh38, chr15:48,411,235, plus strand): 5'-CTTCCTTTTGGTTGATTTTAAAGAAGCCATCTTCATTTCCAGATTCGATCAAGTATCTGT[T>G]GTGATTCGTCAGAGTTGTAAGAGCTGGAAGGAGTTCTAGGATTCGAACCTTGTTACTGAC-3'
Protein context (NP_000129.3, residues 2781-2801): LPALTTLTNH[Asn2791His]RYLIESGNED